The following is an entry in ClinVar:

ClinVar aggregate classification (germline): Likely benign (1 of 4 stars; one submission).

gnomAD v4.1: 15 of 1,614,000 alleles (0.00093%); highest among the groups gnomAD compares: South Asian, 0.0022%; no homozygotes.

Submission:

CeGaT Center for Human Genetics Tuebingen
Classification: Likely benign. Last evaluated: 2025-10-01. Review status: criteria provided, single submitter. Criteria: CeGaT Center For Human Genetics Tuebingen Variant Classification Criteria Version 2. Collection method: clinical testing. Allele origin: germline. Affected: yes. Observed: 1 variant allele.
Comment: NFKB1: BP4, BP7

NM_003998.4(NFKB1):c.2793G>A (p.Glu931=)

Gene: NFKB1 (nuclear factor kappa B subunit 1; plus strand). Cytogenetic location: 4q24.
Variant type: single nucleotide variant.
Coding change: c.2793G>A on transcript NM_003998.4 (MANE Select); coding-DNA position 2793, G replaced by A.
Protein change: p.Glu931=; no amino-acid change (glutamic acid 931 retained).
Molecular consequence: synonymous variant.
Genome position (GRCh38, 1-based): chr4:102,616,477, G>A. VCF-style: chr4-102616477-G-A. GRCh37 (hg19) VCF-style: chr4-103537634-G-A.
Other names: c.2790G>A, p.Glu930= (NM_001165412.2, NM_001319226.2, NM_001382627.1); c.2793G>A, p.Glu931= (NM_001382625.1, NM_001382626.1); c.2751G>A, p.Glu917= (NM_001382628.1).
Identifiers: ClinVar variation 4534320 (VCV004534320.6).